The following is an entry in ClinVar:

ClinVar aggregate classification (germline): Pathogenic (1 of 4 stars; one submission).

Conditions:
Adenylosuccinate lyase deficiency (ADSLD). Also called: ADSL DEFICIENCY. Identifiers: Orphanet 46, MedGen C0268126, MONDO:0007068, OMIM 103050.

gnomAD v4.1: 6 of 1,612,032 alleles (0.00037%); highest among the groups gnomAD compares: Non-Finnish European, 0.00051%; no homozygotes.

Submission:

Labcorp Genetics (formerly Invitae), Labcorp
Classification: Pathogenic for Adenylosuccinate lyase deficiency. Last evaluated: 2024-08-09. Review status: criteria provided, single submitter. Criteria: Invitae Variant Classification Sherloc (09022015). Collection method: clinical testing. Allele origin: germline.
Comment: This sequence change creates a premature translational stop signal (p.Glu25*) in the ADSL gene. It is expected to result in an absent or disrupted protein product. Loss-of-function variants in ADSL are known to be pathogenic (PMID: 10888601, 20177786). The frequency data for this variant in the population databases is considered unreliable, as metrics indicate poor data quality at this position in the gnomAD database. This variant has not been reported in the literature in individuals affected with ADSL-related conditions. For these reasons, this variant has been classified as Pathogenic.

Literature cited by the submitters: PubMed 10888601; PubMed 20177786.

NM_000026.4(ADSL):c.73G>T (p.Glu25Ter)

Gene: ADSL (adenylosuccinate lyase; plus strand). Cytogenetic location: 22q13.1.
Variant type: single nucleotide variant.
Coding change: c.73G>T on transcript NM_000026.4 (MANE Select); coding-DNA position 73, G replaced by T.
Protein change: p.Glu25Ter; replaces glutamic acid 25 with a stop codon.
Molecular consequence: nonsense. On other transcripts: 5 prime UTR variant (1), non-coding transcript variant (1).
Genome position (GRCh38, 1-based): chr22:40,346,631, G>T. VCF-style: chr22-40346631-G-T. GRCh37 (hg19) VCF-style: chr22-40742635-G-T.
Other names: c.73G>T, p.Glu25Ter (NM_001123378.3, NM_001363840.3, NM_001410812.1 and 2 more transcripts); c.-65G>T (NM_001317923.2); short protein forms E25*.
Identifiers: ClinVar variation 3666807 (VCV003666807.2).